The following is an entry in ClinVar:

ClinVar aggregate classification (germline): Likely pathogenic (1 of 4 stars; one submission).

Conditions:
Developmental and epileptic encephalopathy, 43 (DEE43). Also called: Epileptic encephalopathy, early infantile, 43. Identifiers: MedGen C4310712, MONDO:0014921, OMIM 617113.

Submission:

3billion
Classification: Likely pathogenic for Developmental and epileptic encephalopathy, 43. Last evaluated: 2025-12-03. Review status: criteria provided, single submitter. Criteria: ACMG Guidelines, 2015. Collection method: clinical testing. Allele origin: germline. Affected: yes.
Comment: The variant is not observed in the gnomAD v4.1.0 dataset. Predicted Consequence/Location: The variant is located in a mutational hot spot and/or well-established functional domain in which established pathogenic variants have been reported (PMID: 34906499). Missense variant. Missense changes are a common disease-causing mechanism. In silico tool predictions suggest damaging effect of the variant on gene or gene product [REVEL: 0.69 (>=0.6, sensitivity 0.68 and specificity 0.92); 3Cnet: 0.99 (> 0.75, sensitivity 0.96 and precision 0.92)]. A different missense change at the same codon (p.Ala273Thr) has been reported to be associated with GABRB3-related disorder (ClinVar ID: VCV002947221). However the evidence of pathogenicity is insufficient at this time. Therefore, this variant is classified as Likely pathogenic according to the recommendation of ACMG/AMP guideline.

NM_000814.6(GABRB3):c.818C>T (p.Ala273Val)

Gene: GABRB3 (gamma-aminobutyric acid type A receptor subunit beta3; minus strand). Cytogenetic location: 15q12.
Variant type: single nucleotide variant.
Coding change: c.818C>T on transcript NM_000814.6 (MANE Select); coding-DNA position 818, C replaced by T.
Protein change: p.Ala273Val; replaces alanine 273 with valine.
Molecular consequence: missense variant.
Genome position (GRCh38, 1-based): chr15:26,567,598, G>A on the plus strand (C>T on the coding strand, the complement: GABRB3 is on the minus strand). VCF-style: chr15-26567598-G-A. GRCh37 (hg19) VCF-style: chr15-26812745-G-A.
Other names: c.563C>T, p.Ala188Val (NM_001191320.2, NM_001278631.2); c.605C>T, p.Ala202Val (NM_001191321.3); c.818C>T, p.Ala273Val (NM_021912.5); short protein forms A188V, A202V, A273V.
Identifiers: ClinVar variation 4856339 (VCV004856339.1).